The following is an entry in ClinVar:

ClinVar aggregate classification (germline): Uncertain significance. Review status: criteria provided, multiple submitters, no conflicts (2 of 4 stars). 2 submissions from 2 submitters: Uncertain significance (2). Last evaluated 2025-02-19.

Conditions:
FG syndrome (FGS). Identifiers: MedGen C0220769, MONDO:0002010.

Allele frequency attached by ClinVar (database versions not stated): TOPMed below 0.00001; gnomAD 0.00001.

Submissions (2):

GeneDx
Classification: Uncertain significance. Last evaluated: 2025-02-19. Review status: criteria provided, single submitter. Criteria: GeneDx Variant Classification Process June 2021. Collection method: clinical testing. Allele origin: germline. Affected: yes.
Comment: Not observed at significant frequency in large population cohorts (gnomAD); In silico analysis supports that this missense variant has a deleterious effect on protein structure/function; Has not been previously published as pathogenic or benign to our knowledge

Labcorp Genetics (formerly Invitae), Labcorp
Classification: Uncertain significance for FG syndrome. Last evaluated: 2020-11-30. Review status: criteria provided, single submitter. Criteria: Invitae Variant Classification Sherloc (09022015). Collection method: clinical testing. Allele origin: germline.
Comment: In summary, the available evidence is currently insufficient to determine the role of this variant in disease. Therefore, it has been classified as a Variant of Uncertain Significance. Algorithms developed to predict the effect of missense changes on protein structure and function (SIFT, PolyPhen-2, Align-GVGD) all suggest that this variant is likely to be disruptive, but these predictions have not been confirmed by published functional studies and their clinical significance is uncertain. This variant has not been reported in the literature in individuals with MED12-related conditions. This variant is not present in population databases (ExAC no frequency). This sequence change replaces tyrosine with cysteine at codon 1737 of the MED12 protein (p.Tyr1737Cys). The tyrosine residue is highly conserved and there is a large physicochemical difference between tyrosine and cysteine.

NM_005120.3(MED12):c.5210A>G (p.Tyr1737Cys)

Gene: MED12 (mediator complex subunit 12; plus strand). Cytogenetic location: Xq13.1.
Variant type: single nucleotide variant.
Coding change: c.5210A>G on transcript NM_005120.3 (MANE Select); coding-DNA position 5210, A replaced by G.
Protein change: p.Tyr1737Cys; replaces tyrosine 1737 with cysteine.
Molecular consequence: missense variant.
Genome position (GRCh38, 1-based): chrX:71,136,465, A>G. VCF-style: chrX-71136465-A-G. GRCh37 (hg19) VCF-style: chrX-70356315-A-G.
Other names: c.5210A>G (NM_005120.2); short protein forms Y1737C.
Identifiers: ClinVar variation 1480895 (VCV001480895.10), dbSNP rs2092332758, ClinGen allele CA413534475.